The following is an entry in ClinVar:

ClinVar aggregate classification (germline): Pathogenic (1 of 4 stars; one submission).

Allele frequency attached by ClinVar (database versions not stated): gnomAD exomes below 0.00001.
gnomAD v4.1: 2 of 1,613,882 alleles (0.00012%); highest among the groups gnomAD compares: South Asian, 0.0011%; no homozygotes.

Submission:

Labcorp Genetics (formerly Invitae), Labcorp
Classification: Pathogenic. Last evaluated: 2023-11-25. Review status: criteria provided, single submitter. Criteria: Invitae Variant Classification Sherloc (09022015). Collection method: clinical testing. Allele origin: germline.
Comment: This sequence change creates a premature translational stop signal (p.Gln182*) in the PROM1 gene. It is expected to result in an absent or disrupted protein product. Loss-of-function variants in PROM1 are known to be pathogenic (PMID: 17605048, 19718270, 24154662, 25474345). This variant is not present in population databases (gnomAD no frequency). This premature translational stop signal has been observed in individual(s) with retinal dystrophy (PMID: 36819107). For these reasons, this variant has been classified as Pathogenic.

Literature cited by the submitters: PubMed 17605048; PubMed 19718270; PubMed 24154662; PubMed 25474345; PubMed 36819107.

NM_006017.3(PROM1):c.544C>T (p.Gln182Ter)

Gene: PROM1 (prominin 1; minus strand). Cytogenetic location: 4p15.32.
Variant type: single nucleotide variant.
Coding change: c.544C>T on transcript NM_006017.3 (MANE Select); coding-DNA position 544, C replaced by T.
Protein change: p.Gln182Ter; replaces glutamine 182 with a stop codon.
Molecular consequence: nonsense.
Genome position (GRCh38, 1-based): chr4:16,025,278, G>A on the plus strand (C>T on the coding strand, the complement: PROM1 is on the minus strand). VCF-style: chr4-16025278-G-A. GRCh37 (hg19) VCF-style: chr4-16026901-G-A.
Other names: c.517C>T, p.Gln173Ter (NM_001145847.2, NM_001145848.2, NM_001145851.2 and 4 more transcripts); c.544C>T, p.Gln182Ter (NM_001145849.2, NM_001145850.2); short protein forms Q173*, Q182*.
Identifiers: ClinVar variation 2790842 (VCV002790842.3), dbSNP rs2530618280, ClinGen allele CA356424840.
Genomic context (GRCh38, chr4:16,025,278, plus strand): 5'-GCAAGTCCTTGAAATTGCTATCTGCCAGTTTCCGACTCCTTTTGATCCGGGTTCTTACCT[G>A]GTGATTTGCCACAAAACCATAGAAGATGCCAATGCTGCAGGAAAAGGCAGAGAGAAGAAA-3'